The following is an entry in ClinVar:

ClinVar aggregate classification (germline): Uncertain significance (1 of 4 stars; one submission).

Conditions:
Cardiovascular phenotype. Identifiers: MedGen CN230736.

Submission:

Ambry Genetics
Classification: Uncertain significance for Cardiovascular phenotype. Last evaluated: 2026-09-03. Review status: criteria provided, single submitter. Criteria: Ambry Variant Classification Scheme 2023. Collection method: clinical testing. Allele origin: germline.
Comment: The p.T86S variant (also known as c.256A>T), located in coding exon 3 of the SPRED1 gene, results from an A to T substitution at nucleotide position 256. The threonine at codon 86 is replaced by serine, an amino acid with similar properties. This amino acid position is conserved. In addition, the in silico prediction for this alteration is inconclusive. Based on the available evidence, the clinical significance of this variant remains unclear.

NM_152594.3(SPRED1):c.256A>T (p.Thr86Ser)

Gene: SPRED1 (sprouty related EVH1 domain containing 1; plus strand). Cytogenetic location: 15q14.
Variant type: single nucleotide variant.
Coding change: c.256A>T on transcript NM_152594.3 (MANE Select); coding-DNA position 256, A replaced by T.
Protein change: p.Thr86Ser; replaces threonine 86 with serine.
Molecular consequence: missense variant.
Genome position (GRCh38, 1-based): chr15:38,322,289, A>T. VCF-style: chr15-38322289-A-T. GRCh37 (hg19) VCF-style: chr15-38614490-A-T.
Other names: short protein forms T86S.
Identifiers: ClinVar variation 5030138 (VCV005030138.1).